The following is an entry in ClinVar:

ClinVar aggregate classification (germline): Uncertain significance (1 of 4 stars; one submission).

Conditions:
Adenylosuccinate lyase deficiency (ADSLD). Also called: ADSL DEFICIENCY. Identifiers: Orphanet 46, MedGen C0268126, MONDO:0007068, OMIM 103050.

Allele frequency attached by ClinVar (database versions not stated): gnomAD 0.00001; TOPMed 0.00002; 1000 Genomes Project 30x 0.00047.

Submission:

Labcorp Genetics (formerly Invitae), Labcorp
Classification: Uncertain significance for Adenylosuccinate lyase deficiency. Last evaluated: 2022-04-16. Review status: criteria provided, single submitter. Criteria: Invitae Variant Classification Sherloc (09022015). Collection method: clinical testing. Allele origin: germline.
Comment: This variant occurs in a non-coding region of the ADSL gene. It does not change the encoded amino acid sequence of the ADSL protein. This variant is present in population databases (no rsID available, gnomAD 0.007%). This variant has not been reported in the literature in individuals affected with ADSL-related conditions. Experimental studies and prediction algorithms are not available or were not evaluated, and the functional significance of this variant is currently unknown. In summary, the available evidence is currently insufficient to determine the role of this variant in disease. Therefore, it has been classified as a Variant of Uncertain Significance.

NC_000022.11:g.40345919C>T

Gene: ADSL (adenylosuccinate lyase; plus strand). Cytogenetic location: 22q13.1.
Variant type: single nucleotide variant.
Genome position: GRCh38 VCF-style: chr22-40345919-C-T. GRCh37 (hg19) VCF-style: chr22-40741923-C-T.
Identifiers: ClinVar variation 1497180 (VCV001497180.4), dbSNP rs1316024893, ClinGen allele CA639407956.